The following is an entry in ClinVar:

ClinVar aggregate classification (germline): Likely benign. Review status: criteria provided, multiple submitters, no conflicts (2 of 4 stars). 2 submissions from 2 submitters: Likely benign (2). Last evaluated 2025-12-01.

gnomAD v4.1: 155 of 1,060,750 alleles (0.015%); highest among the groups gnomAD compares: Non-Finnish European, 0.014%; no homozygotes.

Submissions (2):

CeGaT Center for Human Genetics Tuebingen
Classification: Likely benign. Last evaluated: 2025-12-01. Review status: criteria provided, single submitter. Criteria: CeGaT Center For Human Genetics Tuebingen Variant Classification Criteria Version 2. Collection method: clinical testing. Allele origin: germline. Affected: yes. Observed: 1 variant allele.
Comment: TBX2: BP4, BP7

Blueprint Genetics
Classification: Likely benign. Last evaluated: 2024-07-08. Review status: criteria provided, single submitter. Criteria: ACMG Guidelines, 2015. Collection method: clinical testing. Allele origin: germline.

NM_005994.4(TBX2):c.192G>A (p.Ala64=)

Gene: TBX2 (T-box transcription factor 2; plus strand). Cytogenetic location: 17q23.2.
Variant type: single nucleotide variant.
Coding change: c.192G>A on transcript NM_005994.4 (MANE Select); coding-DNA position 192, G replaced by A.
Protein change: p.Ala64=; no amino-acid change (alanine 64 retained).
Molecular consequence: synonymous variant.
Genome position (GRCh38, 1-based): chr17:61,400,368, G>A. VCF-style: chr17-61400368-G-A. GRCh37 (hg19) VCF-style: chr17-59477729-G-A.
Identifiers: ClinVar variation 4820997 (VCV004820997.5).